The following is an entry in ClinVar:

NM_001130438.3(SPTAN1):c.4552G>A (p.Ala1518Thr)

Gene: SPTAN1 (spectrin alpha, non-erythrocytic 1; plus strand). Cytogenetic location: 9q34.11.
Variant type: single nucleotide variant.
Coding change: c.4552G>A on transcript NM_001130438.3 (MANE Select); coding-DNA position 4552, G replaced by A.
Protein change: p.Ala1518Thr; replaces alanine 1518 with threonine.
Molecular consequence: missense variant.
Genome position (GRCh38, 1-based): chr9:128,608,934, G>A. VCF-style: chr9-128608934-G-A. GRCh37 (hg19) VCF-style: chr9-131371213-G-A.
Other names: c.4492G>A, p.Ala1498Thr (NM_001195532.2, NM_001363765.2); c.4552G>A, p.Ala1518Thr (NM_001363759.2, NM_003127.4); short protein forms A1518T, A1498T.
Identifiers: ClinVar variation 578679 (VCV000578679.12), dbSNP rs1564282020, ClinGen allele CA375068384.
Genomic context (GRCh38, chr9:128,608,934, plus strand): 5'-GAAGAGAAGATTGCTGCTCTGCAGGCCTTTGCCGACCAGCTCATCGCTGCCGGCCATTAT[G>A]CCAAGGGAGACATTTCTAGCCGGCGCAATGAGGTCTTGGACAGGTGGGTGTCCTGTGGCA-3'
Protein context (NP_001123910.1, residues 1508-1528): ADQLIAAGHY[Ala1518Thr]KGDISSRRNE

ClinVar aggregate classification (germline): Conflicting classifications of pathogenicity. Review status: criteria provided, conflicting classifications (1 of 4 stars). 2 submissions from 2 submitters: Uncertain significance (1); Likely benign (1). Last evaluated 2024-10-27.

Conditions:
Early-infantile DEE. Also called: Early infantile epileptic encephalopathy with suppression bursts; Early infantile epileptic encephalopathy; Ohtahara syndrome. Identifiers: Orphanet 1934, MedGen C0393706, MONDO:0800491.

Allele frequency attached by ClinVar (database versions not stated): gnomAD exomes below 0.00001.
gnomAD v4.1: 1 of 1,614,202 alleles (0.000062%); highest among the groups gnomAD compares: Non-Finnish European, 0.000085%; no homozygotes.

Submissions (2):

GeneDx
Classification: Uncertain significance. Last evaluated: 2024-10-27. Review status: criteria provided, single submitter. Criteria: GeneDx Variant Classification Process June 2021. Collection method: clinical testing. Allele origin: germline. Affected: yes.
Comment: Not observed at significant frequency in large population cohorts (gnomAD); In silico analysis indicates that this missense variant does not alter protein structure/function; Has not been previously published as pathogenic or benign to our knowledge

Labcorp Genetics (formerly Invitae), Labcorp
Classification: Likely benign for Early-infantile DEE. Last evaluated: 2021-12-23. Review status: criteria provided, single submitter. Criteria: Invitae Variant Classification Sherloc (09022015). Collection method: clinical testing. Allele origin: germline.